The following is an entry in ClinVar:

NM_002435.3(MPI):c.988del (p.Gln330fs)

Gene: MPI (mannose phosphate isomerase; plus strand). Cytogenetic location: 15q24.1.
Variant type: Deletion.
Coding change: c.988del on transcript NM_002435.3 (MANE Select); coding-DNA position 988, one base deleted (C; older notation c.988delC).
Protein change: p.Gln330fs; shifts the reading frame from glutamine 330.
Molecular consequence: frameshift variant. On other transcripts: intron variant (1).
Genome position (GRCh38, 1-based): chr15:74,897,154, C deleted. VCF-style (leftmost placement, unchanged base first): chr15-74897153-TC-T. GRCh37 (hg19) VCF-style: chr15-75189494-TC-T.
Other names: c.838del, p.Gln280fs (NM_001289156.2); c.805del, p.Gln269fs (NM_001289157.2); c.928del, p.Gln310fs (NM_001330372.2); c.845-358del (NM_001289155.2); short protein forms Q269fs, Q280fs, Q310fs, Q330fs.
Identifiers: ClinVar variation 4815047 (VCV004815047.1).
Genomic context (GRCh38, chr15:74,897,153, plus strand): 5'-TGAAATGCTCAGCTATACCCCTAGCTCCAGCAAGGACAGGCTCTTTCTCCCAACACGGAG[TC>T]AGGAAGACCCCTACCTCTCAATCTATGACCCCCCTGTACCAGACTTCACCATTATGAAGA-3'

ClinVar aggregate classification (germline): Likely pathogenic (1 of 4 stars; one submission).

Conditions:
MPI-congenital disorder of glycosylation. Also called: CONGENITAL DISORDER OF GLYCOSYLATION, TYPE Ib; CDG Ib; MANNOSEPHOSPHATE ISOMERASE DEFICIENCY; PROTEIN-LOSING ENTEROPATHY-HEPATIC FIBROSIS SYNDROME; MPI-CDG; MPI DEFICIENCY. Identifiers: Orphanet 79319, MedGen C1865145, MONDO:0011257, OMIM 602579.

Submission:

Natera, Inc.
Classification: Likely pathogenic for Congenital disorder of glycosylation type 1b. Last evaluated: 2026-01-21. Review status: criteria provided, single submitter. Criteria: Natera Variant Classification Schema (03/2026). Collection method: clinical testing. Allele origin: germline.
Comment: The c.988del variant in MPI is a frameshift variant predicted to shift the reading frame beginning at codon 330 and leads to a stop codon 19 codons downstream. This variant is expected to result in nonsense mediated decay, truncation, or a dysfunctional protein product. This variant is rare in the general population with a frequency below the threshold expected for the associated phenotype(s). Given the available evidence, this variant is classified as Likely Pathogenic.